The following is an entry in ClinVar:

ClinVar aggregate classification (germline): Likely benign. Review status: criteria provided, multiple submitters, no conflicts (2 of 4 stars). 2 submissions from 2 submitters: Likely benign (2). Last evaluated 2026-07-28.

Conditions:
PDZD7-related disorder. Also called: PDZD7-related condition; PDZD7-related disorders.

Allele frequency attached by ClinVar (database versions not stated): TOPMed 0.00007; gnomAD 0.00009; gnomAD exomes 0.00009 and 0.00015; ExAC 0.00021.
gnomAD v4.1: 130 of 1,535,384 alleles (0.0085%); highest among the groups gnomAD compares: South Asian, 0.025%; no homozygotes.

Submissions (2):

PreventionGenetics, part of Exact Sciences
Classification: Likely benign for PDZD7-related condition. Last evaluated: 2026-07-28. Review status: criteria provided, single submitter. Criteria: ACMG Guidelines, 2015. Collection method: clinical testing. Allele origin: germline.
Comment: This variant is classified as likely benign based on ACMG/AMP sequence variant interpretation guidelines (Richards et al. 2015 PMID: 25741868, with internal and published modifications).

Labcorp Genetics (formerly Invitae), Labcorp
Classification: Likely benign. Last evaluated: 2025-03-20. Review status: criteria provided, single submitter. Criteria: Invitae Variant Classification Sherloc (09022015). Collection method: clinical testing. Allele origin: germline.

NM_001195263.2(PDZD7):c.2574C>T (p.Gly858=)

Gene: PDZD7 (PDZ domain containing 7; minus strand). Cytogenetic location: 10q24.31.
Variant type: single nucleotide variant.
Coding change: c.2574C>T on transcript NM_001195263.2 (MANE Select); coding-DNA position 2574, C replaced by T.
Protein change: p.Gly858=; no amino-acid change (glycine 858 retained).
Molecular consequence: synonymous variant.
Genome position (GRCh38, 1-based): chr10:101,010,315, G>A on the plus strand (C>T on the coding strand, the complement: PDZD7 is on the minus strand). VCF-style: chr10-101010315-G-A. GRCh37 (hg19) VCF-style: chr10-102770072-G-A.
Identifiers: ClinVar variation 838023 (VCV000838023.8), dbSNP rs769474600, ClinGen allele CA5653964.